The following is an entry in ClinVar:

NM_001478.5(B4GALNT1):c.584del (p.Gly195fs)

Gene: B4GALNT1 (beta-1,4-N-acetyl-galactosaminyltransferase 1; minus strand). Cytogenetic location: 12q13.3.
Variant type: Deletion.
Coding change: c.584del on transcript NM_001478.5 (MANE Select); coding-DNA position 584, one base deleted (G; older notation c.584delG).
Protein change: p.Gly195fs; shifts the reading frame from glycine 195.
Molecular consequence: frameshift variant. On other transcripts: 5 prime UTR variant (4).
Genome position (GRCh38, 1-based): chr12:57,630,280, C deleted on the plus strand (G on the coding strand, the reverse complement: B4GALNT1 is on the minus strand); the first of 2 consecutive C bases (chr12:57,630,280-57,630,281); deleting either gives the same sequence. VCF-style (leftmost placement, unchanged base first): chr12-57630279-TC-T. GRCh37 (hg19) VCF-style: chr12-58024062-TC-T.
Other names: c.419del, p.Gly140fs (NM_001276468.2, NM_001413978.1); c.584del, p.Gly195fs (NM_001276469.2, NM_001413967.1, NM_001413968.1 and 9 more transcripts); c.-404del (NM_001413981.1, NM_001413982.1, NM_001413983.1 and 1 more transcripts); short protein forms G140fs, G195fs.
Identifiers: ClinVar variation 2573474 (VCV002573474.1), dbSNP rs2540668608, ClinGen allele CA2580616810.

ClinVar aggregate classification (germline): Pathogenic (1 of 4 stars; one submission).

Conditions:
Hereditary spastic paraplegia 26 (SPG26). Also called: SPASTIC PARAPLEGIA 26, AUTOSOMAL RECESSIVE. Identifiers: Orphanet 101006, MedGen C1836632, MONDO:0012213, OMIM 609195.

Submission:

Women's Health and Genetics/Laboratory Corporation of America, LabCorp
Classification: Pathogenic for Hereditary spastic paraplegia 26. Last evaluated: 2023-06-29. Review status: criteria provided, single submitter. Criteria: LabCorp Variant Classification Summary - May 2015. Collection method: clinical testing. Allele origin: germline.
Comment: Variant summary: B4GALNT1 c.584delG (p.Gly195GlufsX59) results in a premature termination codon, predicted to cause a truncation of the encoded protein or absence of the protein due to nonsense mediated decay, which are commonly known mechanisms for disease. The variant was absent in 251344 control chromosomes. To our knowledge, no occurrence of c.584delG in individuals affected with Hereditary Spastic Paraplegia 26 and no experimental evidence demonstrating its impact on protein function have been reported. No submitters have cited clinical-significance assessments for this variant to ClinVar after 2014. Based on the evidence outlined above, the variant was classified as pathogenic.